The following is an entry in ClinVar:

NM_000260.4(MYO7A):c.5898_5899delinsGT (p.Arg1967Ter)

Gene: MYO7A (myosin VIIA; plus strand). Cytogenetic location: 11q13.5.
Variant type: Indel.
Coding change: c.5898_5899delinsGT on transcript NM_000260.4 (MANE Select); coding-DNA positions 5898 to 5899, TC replaced by GT.
Protein change: p.Arg1967Ter; replaces arginine 1967 with a stop codon.
Molecular consequence: nonsense.
Genome position (GRCh38, 1-based): chr11:77,208,471-77,208,472, TC replaced by GT. VCF-style: chr11-77208471-TC-GT. GRCh37 (hg19) VCF-style: chr11-76919516-TC-GT.
Other names: c.5784_5785delinsGT, p.Arg1929Ter (NM_001127180.2); c.5751_5752delinsGT, p.Arg1918Ter (NM_001369365.1); short protein forms R1918*, R1929*, R1967*.
Identifiers: ClinVar variation 2013037 (VCV002013037.4), dbSNP rs2497752507, ClinGen allele CA2580084985.

ClinVar aggregate classification (germline): Pathogenic (1 of 4 stars; one submission).

Submission:

Labcorp Genetics (formerly Invitae), Labcorp
Classification: Pathogenic. Last evaluated: 2022-07-01. Review status: criteria provided, single submitter. Criteria: Invitae Variant Classification Sherloc (09022015). Collection method: clinical testing. Allele origin: germline.
Comment: For these reasons, this variant has been classified as Pathogenic. This premature translational stop signal has been observed in individual(s) with autosomal recessive MYO7A-related conditions (PMID: 23770805, 29048421). Information on the frequency of this variant in the gnomAD database is not available, as this variant may be reported differently in the database. This sequence change creates a premature translational stop signal (p.Arg1967*) in the MYO7A gene. It is expected to result in an absent or disrupted protein product. Loss-of-function variants in MYO7A are known to be pathogenic (PMID: 8900236, 25404053).

Literature cited by the submitters: PubMed 23770805; PubMed 29048421; PubMed 8900236; PubMed 25404053.